The following is an entry in ClinVar:

NM_001130009.3(GEN1):c.103G>A (p.Val35Met)

Gene: GEN1 (GEN1 Holliday junction 5' flap endonuclease; plus strand). Cytogenetic location: 2p24.2.
Variant type: single nucleotide variant.
Coding change: c.103G>A on transcript NM_001130009.3 (MANE Select); coding-DNA position 103, G replaced by A.
Protein change: p.Val35Met; replaces valine 35 with methionine.
Molecular consequence: missense variant.
Genome position (GRCh38, 1-based): chr2:17,760,046, G>A. VCF-style: chr2-17760046-G-A. GRCh37 (hg19) VCF-style: chr2-17941313-G-A.
Other names: c.103G>A, p.Val35Met (NM_182625.5); short protein forms V35M.
Identifiers: ClinVar variation 4263121 (VCV004263121.1).

ClinVar aggregate classification (germline): Uncertain significance (1 of 4 stars; one submission).

gnomAD v4.1: 8 of 1,613,962 alleles (0.0005%); highest among the groups gnomAD compares: Non-Finnish European, 0.00068%; no homozygotes.

Submission:

Ambry Genetics
Classification: Uncertain significance. Last evaluated: 2025-09-01. Review status: criteria provided, single submitter. Criteria: Ambry Variant Classification Scheme 2023. Collection method: clinical testing. Allele origin: germline.
Comment: The p.V35M variant (also known as c.103G>A), located in coding exon 1 of the GEN1 gene, results from a G to A substitution at nucleotide position 103. The valine at codon 35 is replaced by methionine, an amino acid with highly similar properties. This amino acid position is conserved. In addition, this alteration is predicted to be deleterious by in silico analysis. Based on the available evidence, the clinical significance of this variant remains unclear.